The following is an entry in ClinVar:

NC_000022.10:g.(?_32198670)_(32198844_?)dup

Gene: DEPDC5 (DEP domain containing 5, GATOR1 subcomplex subunit; plus strand). Cytogenetic location: 22q12.2.
Variant type: Duplication.
Identifiers: ClinVar variation 2424000 (VCV002424000.4).

ClinVar aggregate classification (germline): Uncertain significance (1 of 4 stars; one submission).

Conditions:
Familial focal epilepsy with variable foci (FPEVF). Identifiers: Orphanet 98820, MedGen C1858477, MONDO:0020310.

Submission:

Labcorp Genetics (formerly Invitae), Labcorp
Classification: Uncertain significance for Familial focal epilepsy with variable foci. Last evaluated: 2022-06-16. Review status: criteria provided, single submitter. Criteria: Invitae Variant Classification Sherloc (09022015). Collection method: clinical testing. Allele origin: germline.
Comment: This variant results in a copy number gain of the genomic region encompassing exon(s) 15 of the DEPDC5 gene. While the exact position of this variant cannot be determined from the data, sub-genic copy number gains are generally in tandem (PMID: 25640679). This variant is predicted to be in-frame, and likely preserves the integrity of the reading frame. In summary, the available evidence is currently insufficient to determine the role of this variant in disease. Therefore, it has been classified as a Variant of Uncertain Significance. Experimental studies and prediction algorithms are not available or were not evaluated, and the functional significance of this variant is currently unknown. This variant has not been reported in the literature in individuals affected with DEPDC5-related conditions.

Literature cited by the submitters: PubMed 25640679.